The following is an entry in ClinVar:

ClinVar aggregate classification (germline): Uncertain significance. Review status: criteria provided, multiple submitters, no conflicts (2 of 4 stars). 2 submissions from 2 submitters: Uncertain significance (2). Last evaluated 2024-04-26.

Conditions:
Spastic ataxia 2. Also called: Ataxia, spastic, 2, autosomal recessive. Identifiers: Orphanet 397946, MedGen C1969796, MONDO:0012651, OMIM 611302.

Allele frequency attached by ClinVar (database versions not stated): TOPMed 0.00002; ExAC 0.00002; gnomAD 0.00001; gnomAD exomes 0.00002; ESP Exome Variant Server 0.00008.

Submissions (2):

Women's Health and Genetics/Laboratory Corporation of America, LabCorp
Classification: Uncertain significance. Last evaluated: 2024-04-26. Review status: criteria provided, single submitter. Criteria: LabCorp Variant Classification Summary - May 2015. Collection method: clinical testing. Allele origin: germline.
Comment: Variant summary: KIF1C c.3070C>T (p.Arg1024X) results in a premature termination codon. Although it is not expected to result in nonsense mediated decay, it is predicted to cause a truncation of the encoded protein. The variant allele was found at a frequency of 2e-05 in 204812 control chromosomes. The available data on variant occurrences in the general population are insufficient to allow any conclusion about variant significance. To our knowledge, no occurrence of c.3070C>T in individuals affected with Spastic Ataxia 2 and no experimental evidence demonstrating its impact on protein function have been reported. ClinVar contains an entry for this variant (Variation ID: 852668). Based on the evidence outlined above, the variant was classified as uncertain significance.

Labcorp Genetics (formerly Invitae), Labcorp
Classification: Uncertain significance for Spastic ataxia 2. Last evaluated: 2019-03-04. Review status: criteria provided, single submitter. Criteria: Invitae Variant Classification Sherloc (09022015). Collection method: clinical testing. Allele origin: germline.
Comment: This sequence change results in a premature translational stop signal in the KIF1C gene (p.Arg1024*). While this is not anticipated to result in nonsense mediated decay, it is expected to disrupt the last 80 amino acids of the KIF1C protein. This variant is present in population databases (rs372792586, ExAC 0.003%). This variant has not been reported in the literature in individuals with KIF1C-related conditions. Experimental studies and prediction algorithms are not available for this variant, and the functional significance of the affected amino acid(s) is currently unknown. In summary, the available evidence is currently insufficient to determine the role of this variant in disease. Therefore, it has been classified as a Variant of Uncertain Significance.

NM_006612.6(KIF1C):c.3070C>T (p.Arg1024Ter)

Gene: KIF1C (kinesin family member 1C; plus strand). Cytogenetic location: 17p13.2.
Variant type: single nucleotide variant.
Coding change: c.3070C>T on transcript NM_006612.6 (MANE Select); coding-DNA position 3070, C replaced by T.
Protein change: p.Arg1024Ter; replaces arginine 1024 with a stop codon.
Molecular consequence: nonsense.
Genome position (GRCh38, 1-based): chr17:5,023,909, C>T. VCF-style: chr17-5023909-C-T. GRCh37 (hg19) VCF-style: chr17-4927204-C-T.
Other names: short protein forms R1024*.
Identifiers: ClinVar variation 852668 (VCV000852668.8), dbSNP rs372792586, ClinGen allele CA8319473.
Genomic context (GRCh38, chr17:5,023,909, plus strand): 5'-CAACCCCCTGAGGAGGTCACTCCCCATCCAGCCACCCCTGCCCGCCGGCCTCCGAGTCCC[C>T]GAAGGTCCCACCATCCCCGCAGGAACTCCCTGGATGGAGGGGGCCGATCCCGGGGAGCGG-3'